The following is an entry in ClinVar:

ClinVar aggregate classification (germline): Uncertain significance. Review status: reviewed by expert panel (3 of 4 stars). 2 submissions from 2 submitters: Uncertain significance (1). 1 of the submissions does not count toward it. Last evaluated 2024-07-11.

Conditions:
Hereditary thrombocytopenia and hematological cancer predisposition syndrome associated with RUNX1. Also called: Familial Platelet Disorder with Propensity to Acute Myelogenous Leukemia; Familial thrombocytopenia with propensity to acute myelogenous leukemia; PLATELET DISORDER, ASPIRIN-LIKE; RUNX1 Familial Platelet Disorder with Associated Myeloid Malignancies. Identifiers: Orphanet 71290, MedGen C1832388, MeSH C563324, MONDO:0100083, OMIM 601399.
Hereditary thrombocytopenia and hematologic cancer predisposition syndrome. Identifiers: Orphanet 71290, MedGen CN281654, MONDO:0011071.

Submissions (2):

ClinGen Myeloid Malignancy Variant Curation Expert Panel
Classification: Uncertain significance for Hereditary thrombocytopenia and hematologic cancer predisposition syndrome. Last evaluated: 2024-07-11. Review status: reviewed by expert panel. Criteria: ClinGen MyeloMalig ACMG Specifications v2. Collection method: curation. Allele origin: germline. Inheritance: Autosomal dominant inheritance.
Comment: NM_001754.5(RUNX1):c.1238_1240del (p.Ser413del) is an in-frame deletion which does not affect a known functional domain (PM4 not applied). This variant is completely absent from all population databases with at least 20x coverage for RUNX1 (PM2_Supporting). In summary, the clinical significance of this variant is uncertain. ACMG/AMP criteria applied, as specified by the Myeloid Malignancy Variant Curation Expert Panel for RUNX1: PM2_supporting.

Labcorp Genetics (formerly Invitae), Labcorp
Classification: Uncertain significance for Hereditary thrombocytopenia and hematological cancer predisposition syndrome associated with RUNX1. Last evaluated: 2022-01-19. Review status: criteria provided, single submitter. Criteria: Invitae Variant Classification Sherloc (09022015). Collection method: clinical testing. Allele origin: germline. Not counted in ClinVar's aggregate classification.
Comment: In summary, the available evidence is currently insufficient to determine the role of this variant in disease. Therefore, it has been classified as a Variant of Uncertain Significance. Experimental studies and prediction algorithms are not available or were not evaluated, and the functional significance of this variant is currently unknown. This variant has not been reported in the literature in individuals affected with RUNX1-related conditions. This variant is not present in population databases (gnomAD no frequency). This variant, c.1238_1240del, results in the deletion of 1 amino acid(s) of the RUNX1 protein (p.Ser413del), but otherwise preserves the integrity of the reading frame.

NM_001754.5(RUNX1):c.1238_1240del (p.Ser413del)

Gene: RUNX1 (RUNX family transcription factor 1; minus strand). Cytogenetic location: 21q22.12.
Variant type: Deletion.
Coding change: c.1238_1240del on transcript NM_001754.5 (MANE Select); coding-DNA positions 1238 to 1240, 3 bases deleted (CCT; older notation c.1238_1240delCCT).
Protein change: p.Ser413del; deletes serine 413.
Molecular consequence: inframe deletion.
Genome position (GRCh38, 1-based): chr21:34,792,338-34,792,340, AGG deleted on the plus strand (CCT on the coding strand, the reverse complement: RUNX1 is on the minus strand); deleting any 3 consecutive bases within chr21:34,792,338-34,792,342 gives the same sequence; the c. name uses the placement nearest the transcript's 3' end. VCF-style (leftmost placement, unchanged base first): chr21-34792337-TAGG-T. GRCh37 (hg19) VCF-style: chr21-36164634-TAGG-T.
Other names: NM_001754.5(RUNX1):c.1238_1240del; p.Ser413del; c.1157_1159del, p.Ser386del (NM_001001890.3); short protein forms S386del, S413del.
Identifiers: ClinVar variation 2087940 (VCV002087940.5), dbSNP rs2516818410, ClinGen allele CA2580098646.
Genomic context (GRCh38, chr21:34,792,337, plus strand): 5'-TTGGTGCAGGGCGGCAGGATGCGCGGCGGCGAGCGCTCGCCGCCCACCATGGAGAACTGG[TAGG>T]AGCCGGCCGAGGCGCCGTAGTACAGGTGGTAGGAGGGCGAGCTGGCTTGGAACGGGCCTC-3'